The following is an entry in ClinVar:

ClinVar aggregate classification (germline): Uncertain significance. Review status: criteria provided, single submitter (1 of 4 stars). 2 submissions from 1 submitter: Uncertain significance (1). 1 of the submissions does not count toward it. Last evaluated 2022-04-22.

Conditions:
Autosomal dominant nonsyndromic hearing loss 23. Identifiers: Orphanet 90635, MedGen C1854594, MONDO:0011519, OMIM 605192.
Branchiootic syndrome 3 (BOS3). Also called: BO SYNDROME 3. Identifiers: MedGen C1842124, MONDO:0012025, OMIM 608389.

Submissions (2):

Labcorp Genetics (formerly Invitae), Labcorp
Classification: Uncertain significance. Last evaluated: 2022-04-22. Review status: criteria provided, single submitter. Criteria: Invitae Variant Classification Sherloc (09022015). Collection method: clinical testing. Allele origin: germline.
Comment: A gross deletion of the genomic region encompassing the full coding sequence of the SIX6 gene has been identified. The current clinical and genetic evidence is not sufficient to establish whether loss-of-function variants in SIX6 cause disease. The boundaries of this event are unknown as they extend beyond the assayed region for this gene and therefore may encompass additional genes. Isolated whole-gene deletions of SIX6 have not been reported in the literature. However, larger copy number events that include this gene have been reported (PMID: 25414181). In summary, the available evidence is currently insufficient to determine the role of this variant in disease. Therefore, it has been classified as a Variant of Uncertain Significance.

Labcorp Genetics (formerly Invitae), Labcorp
Classification: Uncertain significance for Autosomal dominant nonsyndromic hearing loss 23; Branchiootic syndrome 3. Last evaluated: 2022-06-02. Review status: flagged submission. Criteria: Invitae Variant Classification Sherloc (09022015). Collection method: clinical testing. Allele origin: germline. Not counted in ClinVar's aggregate classification.
Comment: A gross deletion of the genomic region encompassing the full coding sequence of the SIX1 gene has been identified. The current clinical and genetic evidence is not sufficient to establish whether loss-of-function variants in SIX1 cause disease. The boundaries of this event are unknown as they extend beyond the assayed region for this gene and therefore may encompass additional genes. A similar copy number variant has been observed in individual(s) with clinical features of branchio-oto-renal syndrome (Invitae). It has also been observed to segregate with disease in related individuals. In summary, the available evidence is currently insufficient to determine the role of this variant in disease. Therefore, it has been classified as a Variant of Uncertain Significance.
ClinVar note: Reason: This record appears to be redundant with a more recent record from the same submitter.
ClinVar note: Notes: SCV003794914 appears to be redundant with SCV003791672.

Literature cited by the submitters: PubMed 25414181.

NC_000014.8:g.(?_60976117)_(61447691_?)del

Genes: SIX1 (SIX homeobox 1; minus strand), TRMT5 (tRNA methyltransferase 5; minus strand), SIX4 (SIX homeobox 4; minus strand), MNAT1 (MNAT1 component of CDK activating kinase; plus strand), SIX6 (SIX homeobox 6; plus strand). Cytogenetic location: 14q23.1.
Variant type: Deletion.
Identifiers: ClinVar variation 2425450 (VCV002425450.3).